The following is an entry in ClinVar:

NM_001378778.1(MPDZ):c.830C>T (p.Thr277Ile)

Gene: MPDZ (multiple PDZ domain crumbs cell polarity complex component; minus strand). Cytogenetic location: 9p23.
Variant type: single nucleotide variant.
Coding change: c.830C>T on transcript NM_001378778.1 (MANE Select); coding-DNA position 830, C replaced by T.
Protein change: p.Thr277Ile; replaces threonine 277 with isoleucine.
Molecular consequence: missense variant.
Genome position (GRCh38, 1-based): chr9:13,221,418, G>A on the plus strand (C>T on the coding strand, the complement: MPDZ is on the minus strand). VCF-style: chr9-13221418-G-A. GRCh37 (hg19) VCF-style: chr9-13221417-G-A.
Other names: c.830C>T, p.Thr277Ile (NM_001261406.2, NM_001261407.2, NM_001330637.2 and 14 more transcripts); short protein forms T277I.
Identifiers: ClinVar variation 1933757 (VCV001933757.4), dbSNP rs763344267, ClinGen allele CA4987993.

ClinVar aggregate classification (germline): Uncertain significance (1 of 4 stars; one submission).

Submission:

Labcorp Genetics (formerly Invitae), Labcorp
Classification: Uncertain significance. Last evaluated: 2023-02-15. Review status: criteria provided, single submitter. Criteria: Invitae Variant Classification Sherloc (09022015). Collection method: clinical testing. Allele origin: germline.
Comment: In summary, the available evidence is currently insufficient to determine the role of this variant in disease. Therefore, it has been classified as a Variant of Uncertain Significance. An algorithm developed to predict the effect of missense changes on protein structure and function (PolyPhen-2) suggests that this variant is likely to be disruptive. This variant has not been reported in the literature in individuals affected with MPDZ-related conditions. This variant is present in population databases (rs763344267, gnomAD 0.01%). This sequence change replaces threonine, which is neutral and polar, with isoleucine, which is neutral and non-polar, at codon 277 of the MPDZ protein (p.Thr277Ile).